The following is an entry in ClinVar:

ClinVar aggregate classification (germline): Conflicting classifications of pathogenicity. Review status: criteria provided, conflicting classifications (1 of 4 stars). 3 submissions from 3 submitters: Likely pathogenic (1); Uncertain significance (2). Last evaluated 2026-04-15.

Conditions:
X-linked severe congenital neutropenia (SCNX). Identifiers: Orphanet 86788, MedGen C1845987, MONDO:0010294, OMIM 300299.
Thrombocytopenia 1. Also called: X-linked thrombocytopenia with normal platelets; THROMBOCYTOPENIA, X-LINKED, 1; X-Linked Thrombocytopenia (XLT). Identifiers: Orphanet 268322, Orphanet 852, MedGen C1839163, MONDO:0010743, OMIM 313900.
Wiskott-Aldrich syndrome (WAS). Also called: ALDRICH SYNDROME; IMMUNODEFICIENCY 2; WISKOTT-ALDRICH SYNDROME 1; Wiskott-aldrich syndrome, somatic. Identifiers: Orphanet 906, MedGen C0043194, MONDO:0010518, OMIM 301000.
WAS-related disorder. Also called: WAS-Related Disorders; WAS-related condition. Identifiers: MedGen CN381538.

Submissions (3):

PreventionGenetics, part of Exact Sciences
Classification: Uncertain significance for WAS-related condition. Last evaluated: 2026-04-15. Review status: criteria provided, single submitter. Criteria: ACMG Guidelines, 2015. Collection method: clinical testing. Allele origin: germline.
Comment: The WAS c.1319A>C variant is predicted to result in the amino acid substitution p.Gln440Pro. To our knowledge, this variant has not been reported in the literature or in a large population database (gnomAD), indicating this variant is rare. At this time, the clinical significance of this variant is uncertain due to the absence of conclusive functional and genetic evidence.

Labcorp Genetics (formerly Invitae), Labcorp
Classification: Uncertain significance for Wiskott-Aldrich syndrome; X-linked severe congenital neutropenia; Thrombocytopenia 1. Last evaluated: 2025-08-22. Review status: criteria provided, single submitter. Criteria: Invitae Variant Classification Sherloc (09022015). Collection method: clinical testing. Allele origin: germline.
Comment: This sequence change replaces glutamine, which is neutral and polar, with proline, which is neutral and non-polar, at codon 440 of the WAS protein (p.Gln440Pro). This variant is not present in population databases (gnomAD no frequency). This variant has not been reported in the literature in individuals affected with WAS-related conditions. Invitae Evidence Modeling of protein sequence and biophysical properties (such as structural, functional, and spatial information, amino acid conservation, physicochemical variation, residue mobility, and thermodynamic stability) has been performed for this missense variant. However, the output from this modeling did not meet the statistical confidence thresholds required to predict the impact of this variant on WAS protein function. In summary, the available evidence is currently insufficient to determine the role of this variant in disease. Therefore, it has been classified as a Variant of Uncertain Significance.

Blueprint Genetics
Classification: Likely pathogenic for WAS-related disorders. Last evaluated: 2021-12-21. Review status: criteria provided, single submitter. Criteria: ACMG Guidelines, 2015. Collection method: clinical testing. Allele origin: germline. Affected: yes. Observed: 5 variant alleles.

NM_000377.3(WAS):c.1319A>C (p.Gln440Pro)

Gene: WAS (WASP actin nucleation promoting factor; plus strand). Cytogenetic location: Xp11.23.
Variant type: single nucleotide variant.
Coding change: c.1319A>C on transcript NM_000377.3 (MANE Select); coding-DNA position 1319, A replaced by C.
Protein change: p.Gln440Pro; replaces glutamine 440 with proline.
Molecular consequence: missense variant.
Genome position (GRCh38, 1-based): chrX:48,689,047, A>C. VCF-style: chrX-48689047-A-C. GRCh37 (hg19) VCF-style: chrX-48547436-A-C.
Other names: c.1163A>C, p.Gln388Pro (NM_001438876.1, NM_001438878.1); c.1319A>C, p.Gln440Pro (NM_001438877.1, NM_001438879.1); short protein forms Q440P, Q388P.
Identifiers: ClinVar variation 4782441 (VCV004782441.3).